The following is an entry in ClinVar:

ClinVar aggregate classification (germline): Likely pathogenic. Review status: criteria provided, multiple submitters, no conflicts (2 of 4 stars). 2 submissions from 2 submitters: Likely pathogenic (2). Last evaluated 2024-04-03.

Conditions:
VPS13A-related neurodegenerative disease. Also called: LEVINE-CRITCHLEY SYNDROME; Choreoacanthocytosis; Chorea-acanthocytosis; Choreaacanthocytosis; VPS13A Disease; ACANTHOCYTOSIS WITH NEUROLOGIC DISORDER. Identifiers: Orphanet 2388, MedGen C0393576, MONDO:0008695, OMIM 200150.

gnomAD v4.1: 1 of 1,611,330 alleles (0.000062%); highest among the groups gnomAD compares: Middle Eastern, 0.017%; no homozygotes.

Submissions (2):

Fulgent Genetics
Classification: Likely pathogenic for VPS13A-related neurodegenerative disease. Last evaluated: 2024-04-03. Review status: criteria provided, single submitter. Criteria: ACMG Guidelines, 2015. Collection method: clinical testing. Allele origin: germline.

Labcorp Genetics (formerly Invitae), Labcorp
Classification: Likely pathogenic. Last evaluated: 2023-08-31. Review status: criteria provided, single submitter. Criteria: Invitae Variant Classification Sherloc (09022015). Collection method: clinical testing. Allele origin: germline.
Comment: This sequence change affects an acceptor splice site in intron 51 of the VPS13A gene. It is expected to disrupt RNA splicing. Variants that disrupt the donor or acceptor splice site typically lead to a loss of protein function (PMID: 16199547), and loss-of-function variants in VPS13A are known to be pathogenic (PMID: 12404112, 21598378). This variant is not present in population databases (gnomAD no frequency). This variant has not been reported in the literature in individuals affected with VPS13A-related conditions. Algorithms developed to predict the effect of sequence changes on RNA splicing suggest that this variant may disrupt the consensus splice site. In summary, the currently available evidence indicates that the variant is pathogenic, but additional data are needed to prove that conclusively. Therefore, this variant has been classified as Likely Pathogenic.

Literature cited by the submitters: PubMed 16199547 (cited by Labcorp Genetics (formerly Invitae), Labcorp); PubMed 12404112 (cited by Labcorp Genetics (formerly Invitae), Labcorp); PubMed 21598378 (cited by Labcorp Genetics (formerly Invitae), Labcorp).

NM_033305.3(VPS13A):c.7156-1G>C

Gene: VPS13A (vacuolar protein sorting 13 homolog A; plus strand). Cytogenetic location: 9q21.2.
Variant type: single nucleotide variant.
Coding change: c.7156-1G>C on transcript NM_033305.3 (MANE Select); the canonical splice acceptor site of the intron before coding-DNA position 7156, G replaced by C.
Molecular consequence: splice acceptor variant.
Genome position (GRCh38, 1-based): chr9:77,345,008, G>C. VCF-style: chr9-77345008-G-C. GRCh37 (hg19) VCF-style: chr9-79959924-G-C.
Other names: c.7039-1G>C (NM_001018037.2); c.7156-1G>C (NM_015186.4, NM_001018038.3).
Identifiers: ClinVar variation 2756363 (VCV002756363.4), dbSNP rs2538099164, ClinGen allele CA373853170.
Genomic context (GRCh38, chr9:77,345,008, plus strand): 5'-TATTAGTTAATATTCTTGGGAAAATGATTACATTAAAATGTTTTCTTTTTCTTTCTTCTA[G>C]CTTGGAGGTATTATAGCAGAAGTGAATTTGGCCGAGCATTCTACAGTTATTACATTTTTA-3'